The following is an entry in ClinVar:

ClinVar aggregate classification (germline): Uncertain significance. Review status: criteria provided, multiple submitters, no conflicts (2 of 4 stars). 2 submissions from 2 submitters: Uncertain significance (2). Last evaluated 2023-05-19.

Allele frequency attached by ClinVar (database versions not stated): TOPMed below 0.00001; gnomAD 0.00001.

Submissions (2):

Labcorp Genetics (formerly Invitae), Labcorp
Classification: Uncertain significance. Last evaluated: 2023-05-19. Review status: criteria provided, single submitter. Criteria: Invitae Variant Classification Sherloc (09022015). Collection method: clinical testing. Allele origin: germline.
Comment: The frequency data for this variant in the population databases is considered unreliable, as metrics indicate poor data quality at this position in the gnomAD database. This sequence change replaces glycine, which is neutral and non-polar, with valine, which is neutral and non-polar, at codon 124 of the TNFRSF6B protein (p.Gly124Val). This variant has not been reported in the literature in individuals affected with TNFRSF6B-related conditions. In summary, the available evidence is currently insufficient to determine the role of this variant in disease. Therefore, it has been classified as a Variant of Uncertain Significance. An algorithm developed to predict the effect of missense changes on protein structure and function (PolyPhen-2) suggests that this variant is likely to be disruptive. ClinVar contains an entry for this variant (Variation ID: 2475291).

Ambry Genetics
Classification: Uncertain significance. Last evaluated: 2023-01-10. Review status: criteria provided, single submitter. Criteria: Ambry Variant Classification Scheme 2023. Collection method: clinical testing. Allele origin: germline.

NM_003823.4(TNFRSF6B):c.371G>T (p.Gly124Val)

Genes: RTEL1-TNFRSF6B (RTEL1-TNFRSF6B readthrough (NMD candidate); plus strand), TNFRSF6B (TNF receptor superfamily member 6b; plus strand). Cytogenetic location: 20q13.33.
Variant type: single nucleotide variant.
Coding change: c.371G>T on transcript NM_003823.4 (MANE Select); coding-DNA position 371, G replaced by T.
Protein change: p.Gly124Val; replaces glycine 124 with valine.
Molecular consequence: missense variant. On other transcripts: non-coding transcript variant (1).
Genome position (GRCh38, 1-based): chr20:63,697,138, G>T. VCF-style: chr20-63697138-G-T. GRCh37 (hg19) VCF-style: chr20-62328491-G-T.
Other names: short protein forms G124V.
Identifiers: ClinVar variation 2475291 (VCV002475291.5), dbSNP rs928465837, ClinGen allele CA317534449.